The following is an entry in ClinVar:

ClinVar aggregate classification (germline): Uncertain significance (1 of 4 stars; one submission).

Submission:

GeneDx
Classification: Uncertain significance. Last evaluated: 2024-07-02. Review status: criteria provided, single submitter. Criteria: GeneDx Variant Classification Process June 2021. Collection method: clinical testing. Allele origin: germline. Affected: yes.
Comment: Not observed at significant frequency in large population cohorts (gnomAD); In silico analysis supports that this missense variant has a deleterious effect on protein structure/function; Has not been previously published as pathogenic or benign to our knowledge

NM_020791.4(TAOK1):c.122C>T (p.Ala41Val)

Gene: TAOK1 (TAO kinase 1; plus strand). Cytogenetic location: 17q11.2.
Variant type: single nucleotide variant.
Coding change: c.122C>T on transcript NM_020791.4 (MANE Select); coding-DNA position 122, C replaced by T.
Protein change: p.Ala41Val; replaces alanine 41 with valine.
Molecular consequence: missense variant.
Genome position (GRCh38, 1-based): chr17:29,451,670, C>T. VCF-style: chr17-29451670-C-T. GRCh37 (hg19) VCF-style: chr17-27778688-C-T.
Other names: c.122C>T, p.Ala41Val (NM_025142.1); short protein forms A41V.
Identifiers: ClinVar variation 3393834 (VCV003393834.1).
Genomic context (GRCh38, chr17:29,451,670, plus strand): 5'-AAGAAGATCCAGAGAAGCTCTTCACAGATCTCAGAGAAATTGGCCATGGAAGCTTTGGAG[C>T]AGTGTATTTTGTAAGTGTTAGTGGCTTGATGTCAGTGACTAAAATTTACTTAATGTCCAC-3'
Protein context (NP_065842.1, residues 31-51): LREIGHGSFG[Ala41Val]VYFARDVRTN